The following is an entry in ClinVar:

NM_002788.4(PSMA3):c.272T>G (p.Ile91Arg)

Gene: PSMA3 (proteasome 20S subunit alpha 3; plus strand). Cytogenetic location: 14q23.1.
Variant type: single nucleotide variant.
Coding change: c.272T>G on transcript NM_002788.4 (MANE Select); coding-DNA position 272, T replaced by G.
Protein change: p.Ile91Arg; replaces isoleucine 91 with arginine.
Molecular consequence: missense variant. On other transcripts: non-coding transcript variant (1).
Genome position (GRCh38, 1-based): chr14:58,257,788, T>G. VCF-style: chr14-58257788-T-G. GRCh37 (hg19) VCF-style: chr14-58724506-T-G.
Other names: c.272T>G, p.Ile91Arg (NM_152132.3); short protein forms I91R.
Identifiers: ClinVar variation 2997255 (VCV002997255.3), dbSNP rs761734619, ClinGen allele CA7203716.

ClinVar aggregate classification (germline): Uncertain significance (1 of 4 stars; one submission).

Allele frequency attached by ClinVar (database versions not stated): TOPMed below 0.00001; ExAC 0.00001.
gnomAD v4.1: 12 of 1,613,560 alleles (0.00074%); highest among the groups gnomAD compares: Non-Finnish European, 0.001%; no homozygotes.

Submission:

Labcorp Genetics (formerly Invitae), Labcorp
Classification: Uncertain significance. Last evaluated: 2024-11-13. Review status: criteria provided, single submitter. Criteria: Invitae Variant Classification Sherloc (09022015). Collection method: clinical testing. Allele origin: germline.
Comment: This sequence change replaces isoleucine, which is neutral and non-polar, with arginine, which is basic and polar, at codon 91 of the PSMA3 protein (p.Ile91Arg). This variant is present in population databases (rs761734619, gnomAD 0.002%). This variant has not been reported in the literature in individuals affected with PSMA3-related conditions. ClinVar contains an entry for this variant (Variation ID: 2997255). An algorithm developed to predict the effect of missense changes on protein structure and function (PolyPhen-2) suggests that this variant is likely to be tolerated. In summary, the available evidence is currently insufficient to determine the role of this variant in disease. Therefore, it has been classified as a Variant of Uncertain Significance.